The following is an entry in ClinVar:

NM_004329.3(BMPR1A):c.1069G>A (p.Ala357Thr)

Gene: BMPR1A (bone morphogenetic protein receptor type 1A; plus strand). Cytogenetic location: 10q23.2.
Variant type: single nucleotide variant.
Coding change: c.1069G>A on transcript NM_004329.3 (MANE Select); coding-DNA position 1069, G replaced by A.
Protein change: p.Ala357Thr; replaces alanine 357 with threonine.
Molecular consequence: missense variant.
Genome position (GRCh38, 1-based): chr10:86,919,372, G>A. VCF-style: chr10-86919372-G-A. GRCh37 (hg19) VCF-style: chr10-88679129-G-A.
Other names: short protein forms A357T.
Identifiers: ClinVar variation 411619 (VCV000411619.17), dbSNP rs201509164, ClinGen allele CA5585649.

ClinVar aggregate classification (germline): Conflicting classifications of pathogenicity. Review status: criteria provided, conflicting classifications (1 of 4 stars). 5 submissions from 5 submitters: Uncertain significance (4); Likely benign (1). Last evaluated 2025-10-26.

Conditions:
Polyposis syndrome, hereditary mixed, 2. Identifiers: Orphanet 157794, MedGen C1864730, MONDO:0012405, OMIM 610069.
Juvenile polyposis syndrome (JPS). Identifiers: Orphanet 2929, MedGen C0345893, MONDO:0017380, OMIM 174900.
Hereditary cancer-predisposing syndrome. Also called: Hereditary neoplastic syndrome; Neoplastic Syndromes, Hereditary; Tumor predisposition; Hereditary Cancer Syndrome. Identifiers: Orphanet 140162, MedGen C0027672, MeSH D009386, MONDO:0015356.

Allele frequency attached by ClinVar (database versions not stated): gnomAD 0.00001; TOPMed 0.00001.

Submissions (5):

Labcorp Genetics (formerly Invitae), Labcorp
Classification: Uncertain significance for Juvenile polyposis syndrome. Last evaluated: 2025-10-26. Review status: criteria provided, single submitter. Criteria: Invitae Variant Classification Sherloc (09022015). Collection method: clinical testing. Allele origin: germline.
Comment: This sequence change replaces alanine, which is neutral and non-polar, with threonine, which is neutral and polar, at codon 357 of the BMPR1A protein (p.Ala357Thr). This variant is present in population databases (rs201509164, gnomAD 0.008%). This variant has not been reported in the literature in individuals affected with BMPR1A-related conditions. ClinVar contains an entry for this variant (Variation ID: 411619). Invitae Evidence Modeling of protein sequence and biophysical properties (such as structural, functional, and spatial information, amino acid conservation, physicochemical variation, residue mobility, and thermodynamic stability) indicates that this missense variant is not expected to disrupt BMPR1A protein function with a negative predictive value of 80%. In summary, the available evidence is currently insufficient to determine the role of this variant in disease. Therefore, it has been classified as a Variant of Uncertain Significance.

Color Diagnostics, LLC DBA Color Health
Classification: Uncertain significance for Hereditary cancer-predisposing syndrome. Last evaluated: 2025-07-10. Review status: criteria provided, single submitter. Criteria: ACMG Guidelines, 2015. Collection method: clinical testing. Allele origin: germline.
Comment: This missense variant replaces alanine with threonine at codon 357 of the BMPR1A protein. Computational prediction suggests that this variant may have deleterious impact on protein structure and function. To our knowledge, functional studies have not been reported for this variant. This variant has been reported in an individual affected with colorectal cancer in the literature (PMID: 36632626). This variant has been identified in 4/282014 chromosomes in the general population by the Genome Aggregation Database (gnomAD). The available evidence is insufficient to determine the role of this variant in disease conclusively. Therefore, this variant is classified as a Variant of Uncertain Significance.

Baylor Genetics
Classification: Uncertain significance for Polyposis syndrome, hereditary mixed, 2. Last evaluated: 2024-01-16. Review status: criteria provided, single submitter. Criteria: ACMG Guidelines, 2015. Collection method: clinical testing. Allele origin: unknown.

Ambry Genetics
Classification: Likely benign for Hereditary cancer-predisposing syndrome. Last evaluated: 2022-12-02. Review status: criteria provided, single submitter. Criteria: Ambry Variant Classification Scheme 2023. Collection method: clinical testing. Allele origin: germline.

GeneDx
Classification: Uncertain significance. Last evaluated: 2017-01-10. Review status: criteria provided, single submitter. Criteria: GeneDx Variant Classification (06012015). Collection method: clinical testing. Allele origin: germline. Affected: yes.
Comment: This variant is denoted BMPR1A c.1069G>A at the cDNA level, p.Ala357Thr (A357T) at the protein level, and results in the change of an Alanine to a Threonine (GCA>ACA). This variant has not, to our knowledge, been published in the literature as either a pathogenic germline variant or a benign polymorphism. However, it has been reported as a somatic variant in an astrocytoma and a breast carcinoma (Kan 2010, Shankar 2016). BMPR1A Ala357Thr was not observed in approximately 6,500 individuals of European and African American ancestry in the NHLBI Exome Sequencing Project, suggesting it is not a common benign variant in these populations. Since Alanine and Threonine differ in polarity, charge, size or other properties, this is considered a non-conservative amino acid substitution. BMPR1A Ala357Thr occurs at a position that is conserved across species and is located in the Cysteine-rich domain of the MH1 domain (Howe 2004). In silico analyses predict that this variant is probably damaging to protein structure and function. Based on currently available evidence, it is unclear whether BMPR1A Ala357Thr is a pathogenic or benign variant. We consider it to be a variant of uncertain significance.

Literature cited by the submitters: PubMed 36632626 (cited by Color Diagnostics, LLC DBA Color Health); PubMed 33110269 (cited by Ambry Genetics).